The following is an entry in ClinVar:

ClinVar aggregate classification (germline): Uncertain significance (1 of 4 stars; one submission).

Conditions:
Inborn genetic diseases. Identifiers: MedGen C0950123, MeSH D030342.

Allele frequency attached by ClinVar (database versions not stated): gnomAD exomes below 0.00001; gnomAD 0.00001.
gnomAD v4.1: 2 of 1,613,680 alleles (0.00012%); highest among the groups gnomAD compares: Non-Finnish European, 0.00017%; no homozygotes.

Submission:

Ambry Genetics
Classification: Uncertain significance for Inborn genetic diseases. Last evaluated: 2022-12-18. Review status: criteria provided, single submitter. Criteria: Ambry Variant Classification Scheme 2023. Collection method: clinical testing. Allele origin: germline.
Comment: The p.A2291T variant (also known as c.6871G>A), located in coding exon 40 of the ATR gene, results from a G to A substitution at nucleotide position 6871. The alanine at codon 2291 is replaced by threonine, an amino acid with similar properties. This amino acid position is conserved. In addition, the in silico prediction for this alteration is inconclusive. Since supporting evidence is limited at this time, the clinical significance of this alteration remains unclear.

NM_001184.4(ATR):c.6871G>A (p.Ala2291Thr)

Gene: ATR (ATR checkpoint kinase; minus strand). Cytogenetic location: 3q23.
Variant type: single nucleotide variant.
Coding change: c.6871G>A on transcript NM_001184.4 (MANE Select); coding-DNA position 6871, G replaced by A.
Protein change: p.Ala2291Thr; replaces alanine 2291 with threonine.
Molecular consequence: missense variant.
Genome position (GRCh38, 1-based): chr3:142,466,350, C>T on the plus strand (G>A on the coding strand, the complement: ATR is on the minus strand). VCF-style: chr3-142466350-C-T. GRCh37 (hg19) VCF-style: chr3-142185192-C-T.
Other names: c.6679G>A, p.Ala2227Thr (NM_001354579.2); short protein forms A2227T, A2291T.
Identifiers: ClinVar variation 2447355 (VCV002447355.2), dbSNP rs1479311957, ClinGen allele CA354801233.